The following is an entry in ClinVar:

NM_001134407.3(GRIN2A):c.533C>T (p.Pro178Leu)

Gene: GRIN2A (glutamate ionotropic receptor NMDA type subunit 2A; minus strand). Cytogenetic location: 16p13.2.
Variant type: single nucleotide variant.
Coding change: c.533C>T on transcript NM_001134407.3 (MANE Select); coding-DNA position 533, C replaced by T.
Protein change: p.Pro178Leu; replaces proline 178 with leucine.
Molecular consequence: missense variant.
Genome position (GRCh38, 1-based): chr16:9,938,433, G>A on the plus strand (C>T on the coding strand, the complement: GRIN2A is on the minus strand). VCF-style: chr16-9938433-G-A. GRCh37 (hg19) VCF-style: chr16-10032290-G-A.
Other names: c.533C>T, p.Pro178Leu (NM_000833.5, NM_001134408.2); short protein forms P178L.
Identifiers: ClinVar variation 3899140 (VCV003899140.7).

ClinVar aggregate classification (germline): Uncertain significance. Review status: criteria provided, multiple submitters, no conflicts (2 of 4 stars). 2 submissions from 2 submitters: Uncertain significance (2). Last evaluated 2025-11-01.

Submissions (2):

CeGaT Center for Human Genetics Tuebingen
Classification: Uncertain significance. Last evaluated: 2025-11-01. Review status: criteria provided, single submitter. Criteria: CeGaT Center For Human Genetics Tuebingen Variant Classification Criteria Version 2. Collection method: clinical testing. Allele origin: germline. Affected: yes. Observed: 1 variant allele.
Comment: GRIN2A: PM2, PP2

GeneDx
Classification: Uncertain significance. Last evaluated: 2024-11-07. Review status: criteria provided, single submitter. Criteria: GeneDx Variant Classification Process June 2021. Collection method: clinical testing. Allele origin: germline. Affected: yes.
Comment: Has not been previously published as pathogenic or benign to our knowledge; Not observed at significant frequency in large population cohorts (gnomAD); In silico analysis supports that this missense variant has a deleterious effect on protein structure/function